The following is an entry in ClinVar:

NM_018109.4(MTPAP):c.1283T>C (p.Ile428Thr)

Gene: MTPAP (mitochondrial poly(A) polymerase; minus strand). Cytogenetic location: 10p11.23.
Variant type: single nucleotide variant.
Coding change: c.1283T>C on transcript NM_018109.4 (MANE Select); coding-DNA position 1283, T replaced by C.
Protein change: p.Ile428Thr; replaces isoleucine 428 with threonine.
Molecular consequence: missense variant.
Genome position (GRCh38, 1-based): chr10:30,316,147, A>G on the plus strand (T>C on the coding strand, the complement: MTPAP is on the minus strand). VCF-style: chr10-30316147-A-G. GRCh37 (hg19) VCF-style: chr10-30605076-A-G.
Other names: short protein forms I428T.
Identifiers: ClinVar variation 1805661 (VCV001805661.1), dbSNP rs2538447332, ClinGen allele CA376435149.

ClinVar aggregate classification (germline): Uncertain significance (1 of 4 stars; one submission).

Conditions:
Spastic ataxia 4. Identifiers: Orphanet 254343, MedGen C3150925, MONDO:0013354, OMIM 613672.

Submission:

Victorian Clinical Genetics Services, Murdoch Childrens Research Institute
Classification: Uncertain significance for Spastic ataxia 4. Last evaluated: 2022-02-02. Review status: criteria provided, single submitter. Criteria: ACMG Guidelines, 2015. Collection method: clinical testing. Allele origin: germline. Inheritance: Autosomal recessive inheritance.
Comment: Based on the classification scheme VCGS_Germline_v1.3.4, this variant is classified as VUS-3B. Following criteria are met: 0102 - Loss of function has been reported to be a mechanism of disease in this gene in association with an MTPAP-related disorder (MIM#613672; PMID: 31779033). However, the gene-disease association is not clearly established. (I) 0106 - This gene has been reported to be associated with autosomal recessive disease. (I) 0200 - Variant is predicted to result in a missense amino acid change from isoleucine to threonine. (I) 0251 - This variant is heterozygous. (I) 0301 - Variant is absent from gnomAD (both v2 and v3). (SP) 0309 - An alternative amino acid change at the same position has been observed in gnomAD (v2; 2 heterozygotes, 0 homozygotes). (I) 0502 - Missense variant with conflicting in silico predictions and uninformative conservation. (I) 0600 - Variant is located in the annotated fingers domain (PMID: 26319014). (I) 0705 - No comparable missense variants have previous evidence for pathogenicity. (I) 0807 - This variant has no previous evidence of pathogenicity. This family, however, has been published in the literature (PMID: 31779033). (I) 1002 - This variant has moderate functional evidence supporting abnormal protein function. Studies on fibroblasts from affected individuals from this family demonstrated reduced polyadenylation of mitochondrial transcripts and altered expression of mitochondrial proteins, relative to fibroblasts from a control (PMID: 31779033). (I) Legend: (SP) - Supporting pathogenic, (I) - Information, (SB) - Supporting benign

Literature cited by the submitters: PubMed 26319014; PubMed 31779033.